The following is an entry in ClinVar:

NM_000264.5(PTCH1):c.4141G>A (p.Val1381Met)

Gene: PTCH1 (patched 1; minus strand). Cytogenetic location: 9q22.32.
Variant type: single nucleotide variant.
Coding change: c.4141G>A on transcript NM_000264.5 (MANE Select); coding-DNA position 4141, G replaced by A.
Protein change: p.Val1381Met; replaces valine 1381 with methionine.
Molecular consequence: missense variant. On other transcripts: non-coding transcript variant (1).
Genome position (GRCh38, 1-based): chr9:95,447,115, C>T on the plus strand (G>A on the coding strand, the complement: PTCH1 is on the minus strand). VCF-style: chr9-95447115-C-T. GRCh37 (hg19) VCF-style: chr9-98209397-C-T.
Other names: c.4141G>A (NM_000264.4); c.3943G>A, p.Val1315Met (NM_001083602.3); c.4138G>A, p.Val1380Met (NM_001083603.3); c.3688G>A, p.Val1230Met (NM_001083604.3, NM_001083605.3, NM_001083606.3 and 1 more transcripts); c.3985G>A, p.Val1329Met (NM_001354918.2); short protein forms V1315M, V1381M, V1329M, V1380M, V1230M.
Identifiers: ClinVar variation 216388 (VCV000216388.27), dbSNP rs187104739, ClinGen allele CA339439.

ClinVar aggregate classification (germline): Conflicting classifications of pathogenicity. Review status: criteria provided, conflicting classifications (1 of 4 stars). 10 submissions from 9 submitters: Uncertain significance (6); Likely benign (4). Last evaluated 2026-03-29.

Conditions:
Hereditary cancer-predisposing syndrome. Also called: Neoplastic Syndromes, Hereditary; Tumor predisposition; Hereditary Cancer Syndrome; Hereditary neoplastic syndrome. Identifiers: Orphanet 140162, MedGen C0027672, MeSH D009386, MONDO:0015356.
Gorlin syndrome. Also called: Nevoid Basal Cell Carcinoma Syndrome; Basal cell nevus syndrome. Identifiers: Orphanet 377, MedGen C0004779, MONDO:0007187.
Holoprosencephaly 7 (HPE7). Identifiers: Orphanet 2162, MedGen C1835820, MONDO:0012562, OMIM 610828.
PTCH1-related disorder. Also called: PTCH1-related disorders; PTCH1-related condition.

Allele frequency attached by ClinVar (database versions not stated): ExAC 0.00004; gnomAD 0.00004 and 0.00005; TOPMed 0.00006; 1000 Genomes Project 0.00040; 1000 Genomes Project 30x 0.00047.
gnomAD v4.1: 65 of 1,613,422 alleles (0.004%); highest among the groups gnomAD compares: Non-Finnish European, 0.0048%; no homozygotes.

Submissions (10):

PreventionGenetics, part of Exact Sciences
Classification: Uncertain significance for PTCH1-related condition. Last evaluated: 2026-03-29. Review status: criteria provided, single submitter. Criteria: ACMG Guidelines, 2015. Collection method: clinical testing. Allele origin: germline.
Comment: The PTCH1 c.4141G>A variant is predicted to result in the amino acid substitution p.Val1381Met. To our knowledge, this variant has not been reported in the literature. This variant is reported in 0.0072% of alleles in individuals of European (Non-Finnish) descent in gnomAD and has conflicting interpretations in ClinVar ranging from likely benign to uncertain (Variation ID: 216388). Although we suspect that this variant may be benign, at this time, the clinical significance of this variant is uncertain due to the absence of conclusive functional and genetic evidence.

Labcorp Genetics (formerly Invitae), Labcorp
Classification: Likely benign for Gorlin syndrome. Last evaluated: 2026-01-19. Review status: criteria provided, single submitter. Criteria: Invitae Variant Classification Sherloc (09022015). Collection method: clinical testing. Allele origin: germline.

Quest Diagnostics Nichols Institute San Juan Capistrano
Classification: Uncertain significance. Last evaluated: 2025-08-19. Review status: criteria provided, single submitter. Criteria: Quest Diagnostics criteria. Collection method: clinical testing. Allele origin: unknown.
Comment: The PTCH1 c.4141G>A (p.Val1381Met) variant has been reported in the published literature in a tumor sample of an individual with basal cell carcinoma (PMID: 32409749 (2020)). This variant has also been identified in a reportedly unaffected individual (PMID: 29641532 (2018)). The frequency of this variant in the general population (Genome Aggregation Database) is higher than would generally be expected for pathogenic variants in this gene. Analysis of this variant using bioinformatics tools for the prediction of the effect of amino acid changes on protein structure and function yielded conflicting predictions that this variant is benign or damaging. Based on the available information, we are unable to determine the clinical significance of this variant.

Blueprint Genetics
Classification: Likely benign. Last evaluated: 2024-10-03. Review status: criteria provided, single submitter. Criteria: ACMG Guidelines, 2015. Collection method: clinical testing. Allele origin: germline.

Ambry Genetics
Classification: Likely benign for Hereditary cancer-predisposing syndrome. Last evaluated: 2022-05-25. Review status: criteria provided, single submitter. Criteria: Ambry Variant Classification Scheme 2023. Collection method: clinical testing. Allele origin: germline.

Sema4
Classification: Uncertain significance for Hereditary cancer-predisposing syndrome. Last evaluated: 2022-02-26. Review status: criteria provided, single submitter. Criteria: Sema4 Curation Guidelines. Collection method: curation. Allele origin: germline.
Comment: To the best of our knowledge, the PTCH1 c.4141G>A (p.V1381M) variant has been detected in tumor samples of basal cell carcinoma (PMID: 32409749). It was observed in 8/111316 chromosomes of the Non-Finnish European subpopulation in the large and broad cohorts of the Genome Aggregation Database (PMID: 32461654). The variant has been reported in ClinVar (Variation ID: 216388). Functional studies have not been performed, and in silico predictions of the variant's effect on protein function are inconclusive. The evidence is insufficient to meet ACMG/AMP criteria for classifying the variant as benign or pathogenic. Thus, the clinical significance of this variant is currently uncertain.

Women's Health and Genetics/Laboratory Corporation of America, LabCorp
Classification: Likely benign. Last evaluated: 2018-07-10. Review status: criteria provided, single submitter. Criteria: LabCorp Variant Classification Summary - May 2015. Collection method: clinical testing. Allele origin: germline.
Comment: Variant summary: PTCH1 c.4141G>A (p.Val1381Met) results in a conservative amino acid change located outside of any known functional domain or repeat of the encoded protein sequence. Four of five in-silico tools predict a damaging effect of the variant on protein function. The variant allele was found at a frequency of 4.1e-05 in 243022 control chromosomes. The observed variant frequency is approximately 2.4 fold of the estimated maximal expected allele frequency for a pathogenic variant in PTCH1 causing Nevoid Basal Cell Carcinoma Syndrome (Gorlin Syndrome) phenotype (1.7e-05), strongly suggesting that the variant is benign. To our knowledge, no occurrence of c.4141G>A in individuals affected with Nevoid Basal Cell Carcinoma Syndrome (Gorlin Syndrome) and no experimental evidence demonstrating its impact on protein function have been reported. Three clinical diagnostic laboratories have submitted clinical-significance assessments for this variant to ClinVar after 2014 without evidence for independent evaluation. All laboratories classified the variant as uncertain significance. Based on the evidence outlined above, the variant was classified as likely benign.

Illumina Laboratory Services, Illumina
Classification: Uncertain significance for Basal cell nevus syndrome 1. Last evaluated: 2018-01-13. Review status: criteria provided, single submitter. Criteria: ICSL Variant Classification Criteria 13 December 2019. Collection method: clinical testing. Allele origin: germline.

Illumina Laboratory Services, Illumina
Classification: Uncertain significance for Holoprosencephaly 7. Last evaluated: 2018-01-13. Review status: criteria provided, single submitter. Criteria: ICSL Variant Classification Criteria 13 December 2019. Collection method: clinical testing. Allele origin: germline.

GeneDx
Classification: Uncertain significance. Last evaluated: 2017-04-20. Review status: criteria provided, single submitter. Criteria: GeneDx Variant Classification (06012015). Collection method: clinical testing. Allele origin: germline. Affected: yes.
Comment: A variant of uncertain significance has been identified in the PTCH1 gene. The V1381M variant has not been published as a pathogenic variant, nor has it been reported as a benign variant to our knowledge. The V1381M variant is observed in 5/63768 (0.01%) alleles from individuals of European background (Lek et al., 2016; 1000 Genomes Consortium et al., 2015; Exome Variant Server). This substitution occurs at a position that is conserved across species. However, the V1381M variant is a conservative amino acid substitution, which is not likely to impact secondary protein structure as these residues share similar properties. In silico analysis is inconsistent in its predictions as to whether or not the variant is damaging to the protein structure/function. Therefore, based on the currently available information, it is unclear whether this variant is a pathogenic variant or a rare benign variant.

Literature cited by the submitters: PubMed 29641532 (cited by Quest Diagnostics Nichols Institute San Juan Capistrano); PubMed 32409749 (cited by Quest Diagnostics Nichols Institute San Juan Capistrano and Sema4).